The following is an entry in ClinVar:

NM_003070.5(SMARCA2):c.3229T>A (p.Ser1077Thr)

Gene: SMARCA2 (SWI/SNF related BAF chromatin remodeling complex subunit ATPase 2; plus strand). Cytogenetic location: 9p24.3.
Variant type: single nucleotide variant.
Coding change: c.3229T>A on transcript NM_003070.5 (MANE Select); coding-DNA position 3229, T replaced by A.
Protein change: p.Ser1077Thr; replaces serine 1077 with threonine.
Molecular consequence: missense variant.
Genome position (GRCh38, 1-based): chr9:2,104,106, T>A. VCF-style: chr9-2104106-T-A. GRCh37 (hg19) VCF-style: chr9-2104106-T-A.
Other names: c.3229T>A, p.Ser1077Thr (NM_001289396.2, NM_139045.4); c.3055T>A, p.Ser1019Thr (NM_001289397.2); short protein forms S1019T, S1077T.
Identifiers: ClinVar variation 1311593 (VCV001311593.9), dbSNP rs1388950613, ClinGen allele CA372787378.

ClinVar aggregate classification (germline): Conflicting classifications of pathogenicity. Review status: criteria provided, conflicting classifications (1 of 4 stars). 3 submissions from 3 submitters: Uncertain significance (1); Benign (1); Likely benign (1). Last evaluated 2024-10-24.

Allele frequency attached by ClinVar (database versions not stated): gnomAD exomes below 0.00001; TOPMed below 0.00001; gnomAD 0.00001.
gnomAD v4.1: 6 of 1,613,972 alleles (0.00037%); highest among the groups gnomAD compares: Admixed American, 0.0033%; no homozygotes.

Submissions (3):

Labcorp Genetics (formerly Invitae), Labcorp
Classification: Benign. Last evaluated: 2024-10-24. Review status: criteria provided, single submitter. Criteria: Invitae Variant Classification Sherloc (09022015). Collection method: clinical testing. Allele origin: germline.

GeneDx
Classification: Uncertain significance. Last evaluated: 2020-01-03. Review status: criteria provided, single submitter. Criteria: GeneDx Variant Classification Process June 2021. Collection method: clinical testing. Allele origin: germline. Affected: yes.
Comment: In silico analysis, which includes protein predictors and evolutionary conservation, supports that this variant does not alter protein structure/function; Has not been previously published as pathogenic or benign to our knowledge

Genetic Services Laboratory, University of Chicago
Classification: Likely benign. Last evaluated: 2018-05-11. Review status: criteria provided, single submitter. Criteria: ACMG Guidelines, 2015. Collection method: clinical testing. Allele origin: germline. Affected: no.